The following is an entry in ClinVar:

NM_001199397.3(NEK1):c.1238T>A (p.Leu413Gln)

Gene: NEK1 (NIMA related kinase 1; minus strand). Cytogenetic location: 4q33.
Variant type: single nucleotide variant.
Coding change: c.1238T>A on transcript NM_001199397.3 (MANE Select); coding-DNA position 1238, T replaced by A.
Protein change: p.Leu413Gln; replaces leucine 413 with glutamine.
Molecular consequence: missense variant. On other transcripts: non-coding transcript variant (2), intron variant (2).
Genome position (GRCh38, 1-based): chr4:169,561,508, A>T on the plus strand (T>A on the coding strand, the complement: NEK1 is on the minus strand). VCF-style: chr4-169561508-A-T. GRCh37 (hg19) VCF-style: chr4-170482659-A-T.
Other names: c.1238T>A, p.Leu413Gln (NM_001199398.3, NM_001199400.3, NM_001374418.1 and 4 more transcripts); c.1187T>A, p.Leu396Gln (NM_001374420.1); c.1140+324T>A (NM_001374421.1); c.1191+179T>A (NM_001199399.3); short protein forms L413Q, L396Q.
Identifiers: ClinVar variation 3712495 (VCV003712495.2).
Genomic context (GRCh38, chr4:169,561,508, plus strand): 5'-GTAGTATAACCATATTGGTATAAAATGCCTACCTTTACTTCACCACTTCCACCAGCACTT[A>T]GCACATTTCTCCATCCTTGTTCCCTGGCCCTATTTATTCTTTCCAACTTTGGGGAAAAGA-3'
Protein context (NP_001186326.1, residues 403-423): RAREQGWRNV[Leu413Gln]SAGGSGEVKA

ClinVar aggregate classification (germline): Uncertain significance (1 of 4 stars; one submission).

Conditions:
Short-rib thoracic dysplasia 6 with or without polydactyly (SRTD6). Also called: SHORT RIB-POLYDACTYLY SYNDROME, TYPE IIA; Majewski Syndrome; POLYDACTYLY WITH NEONATAL CHONDRODYSTROPHY, TYPE II; SHORT-RIB THORACIC DYSPLASIA 6 WITH POLYDACTYLY; SHORT-RIB THORACIC DYSPLASIA 6 WITHOUT POLYDACTYLY. Identifiers: MedGen C0024507, MONDO:0009894, OMIM 263520.

gnomAD v4.1: 12 of 1,613,522 alleles (0.00074%); highest among the groups gnomAD compares: African/African-American, 0.0013%; no homozygotes.

Submission:

Labcorp Genetics (formerly Invitae), Labcorp
Classification: Uncertain significance for Short-rib thoracic dysplasia 6 with or without polydactyly. Last evaluated: 2024-03-29. Review status: criteria provided, single submitter. Criteria: Invitae Variant Classification Sherloc (09022015). Collection method: clinical testing. Allele origin: germline.
Comment: This sequence change replaces leucine, which is neutral and non-polar, with glutamine, which is neutral and polar, at codon 413 of the NEK1 protein (p.Leu413Gln). This variant is present in population databases (no rsID available, gnomAD 0.0009%). This variant has not been reported in the literature in individuals affected with NEK1-related conditions. Advanced modeling of protein sequence and biophysical properties (such as structural, functional, and spatial information, amino acid conservation, physicochemical variation, residue mobility, and thermodynamic stability) performed at Invitae indicates that this missense variant is not expected to disrupt NEK1 protein function with a negative predictive value of 95%. In summary, the available evidence is currently insufficient to determine the role of this variant in disease. Therefore, it has been classified as a Variant of Uncertain Significance.